The following is an entry in ClinVar:

ClinVar aggregate classification (germline): Pathogenic (1 of 4 stars; one submission).

Conditions:
Griscelli syndrome type 2 (GS2). Also called: GRISCELLI SYNDROME WITH HEMOPHAGOCYTIC SYNDROME; PAID SYNDROME; PARTIAL ALBINISM AND IMMUNODEFICIENCY SYNDROME. Identifiers: Orphanet 381, Orphanet 79477, MedGen C1868679, MONDO:0011872, OMIM 607624.

Allele frequency attached by ClinVar (database versions not stated): TOPMed below 0.00001; gnomAD exomes 0.00001 and 0.00002; ExAC 0.00003.
gnomAD v4.1: 11 of 1,608,708 alleles (0.00068%); highest among the groups gnomAD compares: Non-Finnish European, 0.00094%; no homozygotes.

Submission:

Labcorp Genetics (formerly Invitae), Labcorp
Classification: Pathogenic for Griscelli syndrome type 2. Last evaluated: 2025-07-23. Review status: criteria provided, single submitter. Criteria: Invitae Variant Classification Sherloc (09022015). Collection method: clinical testing. Allele origin: germline.
Comment: This sequence change replaces arginine, which is basic and polar, with threonine, which is neutral and polar, at codon 80 of the RAB27A protein (p.Arg80Thr). This variant also falls at the last nucleotide of exon 3, which is part of the consensus splice site for this exon. This variant is present in population databases (rs765369750, gnomAD 0.004%). This missense change has been observed in individual(s) with clinical features of Griscelli syndrome type 2 (PMID: 29522846, 33225392). It has also been observed to segregate with disease in related individuals. ClinVar contains an entry for this variant (Variation ID: 1519012). An algorithm developed to predict the effect of missense changes on protein structure and function (PolyPhen-2) suggests that this variant is likely to be disruptive. Variants that disrupt the consensus splice site are a relatively common cause of aberrant splicing (PMID: 17576681, 9536098). Algorithms developed to predict the effect of sequence changes on RNA splicing suggest that this variant may disrupt the consensus splice site. For these reasons, this variant has been classified as Pathogenic.

Literature cited by the submitters: PubMed 29522846; PubMed 33225392; PubMed 17576681; PubMed 9536098.

NM_183235.3(RAB27A):c.239G>C (p.Arg80Thr)

Gene: RAB27A (RAB27A, member RAS oncogene family; minus strand). Cytogenetic location: 15q21.3.
Variant type: single nucleotide variant.
Coding change: c.239G>C on transcript NM_183235.3 (MANE Select); coding-DNA position 239, G replaced by C.
Protein change: p.Arg80Thr; replaces arginine 80 with threonine.
Molecular consequence: missense variant.
Genome position (GRCh38, 1-based): chr15:55,230,401, C>G on the plus strand (G>C on the coding strand, the complement: RAB27A is on the minus strand). VCF-style: chr15-55230401-C-G. GRCh37 (hg19) VCF-style: chr15-55522599-C-G.
Other names: c.239G>C, p.Arg80Thr (NM_004580.5, NM_183234.3, NM_183236.3); short protein forms R80T.
Identifiers: ClinVar variation 1519012 (VCV001519012.8), dbSNP rs765369750, ClinGen allele CA7573659.